The following is an entry in ClinVar:

NM_004369.4(COL6A3):c.7655T>A (p.Ile2552Asn)

Gene: COL6A3 (collagen type VI alpha 3 chain; minus strand). Cytogenetic location: 2q37.3.
Variant type: single nucleotide variant.
Coding change: c.7655T>A on transcript NM_004369.4 (MANE Select); coding-DNA position 7655, T replaced by A.
Protein change: p.Ile2552Asn; replaces isoleucine 2552 with asparagine.
Molecular consequence: missense variant.
Genome position (GRCh38, 1-based): chr2:237,344,363, A>T on the plus strand (T>A on the coding strand, the complement: COL6A3 is on the minus strand). VCF-style: chr2-237344363-A-T. GRCh37 (hg19) VCF-style: chr2-238253006-A-T.
Other names: c.5834T>A, p.Ile1945Asn (NM_057166.5); c.7037T>A, p.Ile2346Asn (NM_057167.4); short protein forms I1945N, I2346N, I2552N.
Identifiers: ClinVar variation 1809633 (VCV001809633.2), dbSNP rs760603503, ClinGen allele CA2187754.

ClinVar aggregate classification (germline): Uncertain significance. Review status: criteria provided, multiple submitters, no conflicts (2 of 4 stars). 2 submissions from 2 submitters: Uncertain significance (2). Last evaluated 2022-12-17.

Allele frequency attached by ClinVar (database versions not stated): gnomAD exomes 0.00001; ExAC 0.00001.
gnomAD v4.1: 9 of 1,614,208 alleles (0.00056%); highest among the groups gnomAD compares: Middle Eastern, 0.016%; no homozygotes.

Submissions (2):

Dubai Health Genomic Medicine Center, Dubai Health
Classification: Uncertain significance. Last evaluated: 2022-12-17. Review status: criteria provided, single submitter. Criteria: ACMG Guidelines, 2015. Collection method: clinical testing. Allele origin: germline. Affected: yes.

GeneDx
Classification: Uncertain significance. Last evaluated: 2022-09-21. Review status: criteria provided, single submitter. Criteria: GeneDx Variant Classification Process June 2021. Collection method: clinical testing. Allele origin: germline. Affected: yes.
Comment: Not observed at significant frequency in large population cohorts (gnomAD); In silico analysis supports that this missense variant does not alter protein structure/function; Has not been previously published as pathogenic or benign to our knowledge